The following is an entry in ClinVar:

ClinVar aggregate classification (germline): Pathogenic/Likely pathogenic. Review status: criteria provided, multiple submitters, no conflicts (2 of 4 stars). 2 submissions from 2 submitters: Pathogenic (1); Likely pathogenic (1). Last evaluated 2026-06-10.

Conditions:
Familial dysautonomia. Also called: HSAN III; FD. Identifiers: Orphanet 1764, MedGen C0013364, MONDO:0009131, OMIM 223900. Disease mechanism: loss of function.
Medulloblastoma (MDB). Also called: Medulloblastoma, somatic; MEDULLOBLASTOMA PREDISPOSITION SYNDROME. Identifiers: Orphanet 616, MedGen C0025149, MeSH D008527, MONDO:0007959, OMIM 155255, HP:0002885.

Submissions (2):

Myriad Genetics, Inc.
Classification: Pathogenic for Familial dysautonomia. Last evaluated: 2026-06-10. Review status: criteria provided, single submitter. Criteria: Myriad Autosomal Dominant, Autosomal Recessive and X-Linked Classification Criteria (2023). Collection method: clinical testing. Allele origin: unknown.
Comment: NM_003640.3(ELP1):c.223C>T(Q75*) is expected to be pathogenic in the context of familial dysautonomia. This variant is predicted to lead to an abnormal or absent protein product due to the creation of a premature termination codon in ELP1, a gene where loss-of-function variants are known to be pathogenic. Please note: this variant was assessed in the context of healthy population screening.

Fulgent Genetics
Classification: Likely pathogenic for Medulloblastoma; Familial dysautonomia. Last evaluated: 2024-05-11. Review status: criteria provided, single submitter. Criteria: ACMG Guidelines, 2015. Collection method: clinical testing. Allele origin: germline.

NM_003640.5(ELP1):c.223C>T (p.Gln75Ter)

Gene: ELP1 (elongator acetyltransferase complex subunit 1; minus strand). Cytogenetic location: 9q31.3.
Variant type: single nucleotide variant.
Coding change: c.223C>T on transcript NM_003640.5 (MANE Select); coding-DNA position 223, C replaced by T.
Protein change: p.Gln75Ter; replaces glutamine 75 with a stop codon.
Molecular consequence: nonsense. On other transcripts: 5 prime UTR variant (2).
Genome position (GRCh38, 1-based): chr9:108,929,849, G>A on the plus strand (C>T on the coding strand, the complement: ELP1 is on the minus strand). VCF-style: chr9-108929849-G-A. GRCh37 (hg19) VCF-style: chr9-111692129-G-A.
Other names: c.-120C>T (NM_001318360.2); c.-637C>T (NM_001330749.2); short protein forms Q75*.
Identifiers: ClinVar variation 3596323 (VCV003596323.2).
Genomic context (GRCh38, chr9:108,929,849, plus strand): 5'-AGAGTATGACGTCTCCAGAGGCTGTGGCCACACACACAGACTCCTGATCCAGCAAGTCCT[G>A]AACACCAACAATGCGGCCACTTCCATCCTCTGGGAGAAAGCCTTCTGCCACCAAAGAAAC-3'